The following is an entry in ClinVar:

NM_020549.5(CHAT):c.883A>G (p.Ser295Gly)

Gene: CHAT (choline O-acetyltransferase; plus strand). Cytogenetic location: 10q11.23.
Variant type: single nucleotide variant.
Coding change: c.883A>G on transcript NM_020549.5 (MANE Select); coding-DNA position 883, A replaced by G.
Protein change: p.Ser295Gly; replaces serine 295 with glycine.
Molecular consequence: missense variant.
Genome position (GRCh38, 1-based): chr10:49,625,603, A>G. VCF-style: chr10-49625603-A-G. GRCh37 (hg19) VCF-style: chr10-50833649-A-G.
Other names: c.529A>G, p.Ser177Gly (NM_001142929.2, NM_001142934.2, NM_020984.4 and 2 more transcripts); c.637A>G, p.Ser213Gly (NM_001142933.2); short protein forms S177G, S213G, S295G.
Identifiers: ClinVar variation 1471713 (VCV001471713.5), dbSNP rs1473934667, ClinGen allele CA376730254.
Genomic context (GRCh38, chr10:49,625,603, plus strand): 5'-GGGCTCTTCTCCTCCTACCGGCTCCCCGGCCATACCCAGGACACGCTGGTGGCTCAGAAC[A>G]GCAGCATCATGCCGGAGCCTGAGCACGTCATCGTAGCCTGCTGCAATCAGGTAAGCAACC-3'
Protein context (NP_065574.4, residues 285-305): HTQDTLVAQN[Ser295Gly]SIMPEPEHVI

ClinVar aggregate classification (germline): Uncertain significance (1 of 4 stars; one submission).

Conditions:
Familial infantile myasthenia (CMS6). Also called: Congenital myasthenic syndrome type 6; MYASTHENIC SYNDROME, CONGENITAL, 6, PRESYNAPTIC; MYASTHENIC SYNDROME, PRESYNAPTIC, CONGENITAL, ASSOCIATED WITH EPISODIC APNEA. Identifiers: Orphanet 590, MedGen C0393929, MONDO:0009689, OMIM 254210.

Allele frequency attached by ClinVar (database versions not stated): gnomAD exomes below 0.00001.
gnomAD v4.1: 3 of 1,604,050 alleles (0.00019%); highest among the groups gnomAD compares: Admixed American, 0.0017%; no homozygotes.

Submission:

Labcorp Genetics (formerly Invitae), Labcorp
Classification: Uncertain significance for Familial infantile myasthenia. Last evaluated: 2021-08-27. Review status: criteria provided, single submitter. Criteria: Invitae Variant Classification Sherloc (09022015). Collection method: clinical testing. Allele origin: germline.
Comment: This sequence change replaces serine with glycine at codon 295 of the CHAT protein (p.Ser295Gly). The serine residue is moderately conserved and there is a small physicochemical difference between serine and glycine. This variant is not present in population databases (ExAC no frequency). This variant has not been reported in the literature in individuals affected with CHAT-related conditions. Advanced modeling of protein sequence and biophysical properties (such as structural, functional, and spatial information, amino acid conservation, physicochemical variation, residue mobility, and thermodynamic stability) performed at Invitae indicates that this missense variant is not expected to disrupt CHAT protein function. In summary, the available evidence is currently insufficient to determine the role of this variant in disease. Therefore, it has been classified as a Variant of Uncertain Significance.